The following is an entry in ClinVar:

ClinVar aggregate classification (germline): Pathogenic/Likely pathogenic. Review status: criteria provided, multiple submitters, no conflicts (2 of 4 stars). 11 submissions from 11 submitters: Pathogenic (9); Likely pathogenic (1). 1 of the submissions does not count toward it. Last evaluated 2025-10-30.

Conditions:
TARDBP-related disorder. Also called: TARDBP-related condition.
FRONTOTEMPORAL LOBAR DEGENERATION WITH TDP43 INCLUSIONS, TARDBP-RELATED. Also called: Frontotemporal lobar degeneration, TARDBP-related. Identifiers: MedGen C3150169, OMIM 612069.
Amyotrophic lateral sclerosis type 10 (ALS10). Also called: Amyotrophic lateral sclerosis 10, with or without FTD; AMYOTROPHIC LATERAL SCLEROSIS 10 WITHOUT FRONTOTEMPORAL DEMENTIA AND WITH TDP43 INCLUSIONS; AMYOTROPHIC LATERAL SCLEROSIS 10 WITH OR WITHOUT FRONTOTEMPORAL DEMENTIA AND WITH TDP43 INCLUSIONS; AMYOTROPHIC LATERAL SCLEROSIS 10 WITH OR WITHOUT FRONTOTEMPORAL DEMENTIA; TARDBP-Related Amyotrophic Lateral Sclerosis-Frontotemporal Dementia. Identifiers: Orphanet 275872, Orphanet 803, MedGen C2677565, MONDO:0012790, OMIM 612069.

Allele frequency attached by ClinVar (database versions not stated): TOPMed 0.00001; gnomAD 0.00001.
gnomAD v4.1: 5 of 1,613,862 alleles (0.00031%); highest among the groups gnomAD compares: Non-Finnish European, 0.00025%; no homozygotes.

Submissions (11):

PreventionGenetics, part of Exact Sciences
Classification: Pathogenic for TARDBP-related condition. Last evaluated: 2025-10-30. Review status: criteria provided, single submitter. Criteria: ACMG Guidelines, 2015. Collection method: clinical testing. Allele origin: germline.
Comment: The TARDBP c.881G>T variant is predicted to result in the amino acid substitution p.Gly294Val. This variant has been reported in multiple unrelated individuals with amyotrophic lateral sclerosis (ALS) with and without frontotemporal dementia (FTD, Corrado et al. 2009. PubMed ID: 19224587; Bartoletti-Stella et al. 2018. PubMed ID: 29525180; Wang et al. 2020. PubMed ID: 33159016). It has been reported in the homozygous state in two individuals with a diagnosis or clinical features of ALS (Internal Data, PreventionGenetics). An alternate missense change at the same amino acid position (c.881G>C, p.Gly294Ala) has been reported to be causative of ALS (Sreedharan et al. 2008. PubMed ID: 18309045). This variant is located within the conserved C-terminal region of TARDBP, where missense change is not expected to be tolerated and is considered a hot spot for ALS-causing variants (Tiloca et al. 2022. PubMed ID: 36247987). This variant is reported in 0.0026% of alleles in individuals of European (non-Finnish) descent in gnomAD; and has been consistently classified as pathogenic in ClinVar (Variation ID: 21484). This variant is interpreted as pathogenic.

Labcorp Genetics (formerly Invitae), Labcorp
Classification: Pathogenic for Amyotrophic lateral sclerosis type 10; FRONTOTEMPORAL LOBAR DEGENERATION WITH TDP43 INCLUSIONS, TARDBP-RELATED. Last evaluated: 2025-05-12. Review status: criteria provided, single submitter. Criteria: Invitae Variant Classification Sherloc (09022015). Collection method: clinical testing. Allele origin: germline.
Comment: This sequence change replaces glycine, which is neutral and non-polar, with valine, which is neutral and non-polar, at codon 294 of the TARDBP protein (p.Gly294Val). This variant is present in population databases (rs80356721, gnomAD 0.004%), including at least one homozygous and/or hemizygous individual. This missense change has been observed in individuals with amyotrophic lateral sclerosis (PMID: 19864664, 21651514, 29630989). ClinVar contains an entry for this variant (Variation ID: 21484). Invitae Evidence Modeling of protein sequence and biophysical properties (such as structural, functional, and spatial information, amino acid conservation, physicochemical variation, residue mobility, and thermodynamic stability) indicates that this missense variant is not expected to disrupt TARDBP protein function with a negative predictive value of 80%. Experimental studies have shown that this missense change affects TARDBP function (PMID: 25090004). For these reasons, this variant has been classified as Pathogenic.

Variantyx, Inc.
Classification: Pathogenic for Amyotrophic lateral sclerosis type 10. Last evaluated: 2025-05-08. Review status: criteria provided, single submitter. Criteria: Variantyx Assertion Criteria 2022. Collection method: clinical testing. Allele origin: germline. Inheritance: Autosomal dominant inheritance. Affected: yes.
Comment: This is a nonsynonymous variant in the TARDBP gene (OMIM: 605078). Pathogenic variants in this gene have been associated with autosomal dominant Amyotrophic lateral sclerosis 10, with or without FTD. This variant has been reported in many unrelated affected individuals (PMID: 19224587, 19236453, 19864664, 20959352, 31852254) (PS4_Very_Strong) and it has been detected in the homozygous state in one affected individual (PMID: 31852254). While computational algorithms produce conflicting evidence regarding the predicted functional impact of this variant (REVEL score: 0.534), a functional study has shown that this variant alters TARDBP protein function (PMID: 25090004) (PS3). This variant lies within a known hotspot for pathogenic variants or a well-established critical functional domain of the TARDBP protein (PMID: 36247987) (PM1). It has a 0.0007% maximum allele frequency in non-founder control populations (PM2). . Based on the current evidence, this variant is classified as pathogenic for autosomal dominant Amyotrophic lateral sclerosis 10, with or without FTD. This variant has been reported as being of incomplete penetrance (PMID: 19224587, 22722621, 31852254).

Institute of Human Genetics Munich, TUM University Hospital
Classification: Pathogenic for Amyotrophic lateral sclerosis type 10. Last evaluated: 2025-04-08. Review status: criteria provided, single submitter. Criteria: Classification criteria August 2017. Collection method: clinical testing. Allele origin: germline. Inheritance: Autosomal dominant inheritance. Affected: yes. Observed: 1 variant allele.

Institute of Medical Genetics and Applied Genomics, University Hospital Tübingen
Classification: Pathogenic for Amyotrophic lateral sclerosis type 10. Last evaluated: 2024-12-20. Review status: criteria provided, single submitter. Criteria: ACMG Guidelines, 2015. Collection method: clinical testing. Allele origin: germline. Inheritance: Autosomal dominant inheritance. Affected: yes.

3billion
Classification: Pathogenic for Amyotrophic lateral sclerosis type 10. Last evaluated: 2024-07-25. Review status: criteria provided, single submitter. Criteria: ACMG Guidelines, 2015. Collection method: clinical testing. Allele origin: germline. Affected: yes.
Comment: The variant is observed at an extremely low frequency in the gnomAD v4.0.0 dataset (total allele frequency: <0.001%). Predicted Consequence/Location: Missense changes are a common disease-causing mechanism. Functional studies provide moderate evidence of the variant having a damaging effect on the gene or gene product (PMID: 25090004, 29630989). The same nucleotide change resulting in the same amino acid change has been previously reported as pathogenic/likely pathogenic with strong evidence (ClinVar ID: VCV000021484 /PMID: 19224587). The variant has been observed in at least two similarly affected unrelated individuals (PMID: 19864664, 21651514). A different missense change at the same codon (p.Gly294Ala) has been reported to be associated with TARDBP related disorder (ClinVar ID: VCV000005230 /PMID: 18309045). Therefore, this variant is classified as Pathogenic according to the recommendation of ACMG/AMP guideline.

Kariminejad - Najmabadi Pathology & Genetics Center
Classification: Likely pathogenic for Amyotrophic lateral sclerosis type 10. Last evaluated: 2024-07-20. Review status: criteria provided, single submitter. Criteria: ACMG Guidelines, 2015. Collection method: clinical testing. Allele origin: germline. Inheritance: Autosomal dominant inheritance. Affected: yes.
Comment: PM1(Supporting),PM2,PS3(Supporting),PM5,PP5(Moderate),PP2

Athena Diagnostics
Classification: Pathogenic. Last evaluated: 2021-08-26. Review status: criteria provided, single submitter. Criteria: Athena Diagnostics Criteria. Collection method: clinical testing. Allele origin: unknown.
Comment: The frequency of this variant in the general population is consistent with pathogenicity (Genome Aggregation Database [gnomAD], Cambridge, MA [URL]). Reports of this variant in asymptomatic individuals well past typical age of onset suggest this variant exhibits reduced penetrance (PMID: 19224587, 22722621, 31852254). This variant is statistically more frequent in affected individuals than in the general population and/or healthy controls. Experiments in patient-derived cell lines showed aberrant stress granule formation and disassembly, as well as severely impaired organelle transport along neuronal axons (PMID: 27570075, 29630989).

MGZ Medical Genetics Center
Classification: Pathogenic for Amyotrophic lateral sclerosis type 10. Last evaluated: 2021-08-23. Review status: criteria provided, single submitter. Criteria: ACMG Guidelines, 2015. Collection method: clinical testing. Allele origin: germline. Affected: yes. Observed: 1 variant allele.
Comment: ACMG criteria applied: PS4, PM1, PM5, PM2_SUP, PP3

Clinical Genetics Service, Universitary Hospital 12 de Octubre
Classification: Pathogenic for Amyotrophic lateral sclerosis type 10. Review status: criteria provided, single submitter. Criteria: ACMG Guidelines, 2015. Collection method: clinical testing. Allele origin: germline. Affected: yes.

GeneReviews
No classification provided. Condition: Amyotrophic lateral sclerosis type 10. Review status: no classification provided. Collection method: literature only. Allele origin: unknown. Not counted in ClinVar's aggregate classification.

Literature cited by the submitters: PubMed 19864664 (cited by 4 submitters); PubMed 21651514 (cited by 3 submitters); PubMed 29630989 (cited by 3 submitters); PubMed 25090004 (cited by 4 submitters); PubMed 19224587 (cited by 3 submitters); PubMed 19236453 (cited by 3 submitters); PubMed 20959352 (cited by Variantyx, Inc. and Athena Diagnostics); PubMed 31852254 (cited by Variantyx, Inc. and Athena Diagnostics); PubMed 36247987 (cited by Variantyx, Inc.); PubMed 18309045 (cited by 3billion); PubMed 33770234 (cited by Athena Diagnostics); PubMed 23356346 (cited by Athena Diagnostics); PubMed 33479441 (cited by Athena Diagnostics); PubMed 33159016 (cited by Athena Diagnostics); PubMed 22722621 (cited by Athena Diagnostics); PubMed 29419416 (cited by Athena Diagnostics); PubMed 27570075 (cited by Athena Diagnostics); PubMed 33301444 (cited by Athena Diagnostics); PubMed 29650794 (cited by Athena Diagnostics); PubMed 29525180 (cited by Athena Diagnostics); PubMed 25792239 (cited by Athena Diagnostics); PubMed 20301761 (cited by GeneReviews); NCBI Bookshelf NBK5942 (cited by GeneReviews).

NM_007375.4(TARDBP):c.881G>T (p.Gly294Val)

Genes: MASP2 (MBL associated serine protease 2; minus strand), TARDBP (TAR DNA binding protein; plus strand). Cytogenetic location: 1p36.22.
Variant type: single nucleotide variant.
Coding change: c.881G>T on transcript NM_007375.4 (MANE Select); coding-DNA position 881, G replaced by T.
Protein change: p.Gly294Val; replaces glycine 294 with valine.
Molecular consequence: missense variant.
Genome position (GRCh38, 1-based): chr1:11,022,290, G>T. VCF-style: chr1-11022290-G-T. GRCh37 (hg19) VCF-style: chr1-11082347-G-T.
Other names: short protein forms G294V.
Identifiers: ClinVar variation 21484 (VCV000021484.24), dbSNP rs80356721, ClinGen allele CA342121.